The following is an entry in ClinVar:

NM_001278669.2(NFATC1):c.583T>C (p.Tyr195His)

Gene: NFATC1 (nuclear factor of activated T cells 1; plus strand). Cytogenetic location: 18q23.
Variant type: single nucleotide variant.
Coding change: c.583T>C on transcript NM_001278669.2 (MANE Select); coding-DNA position 583, T replaced by C.
Protein change: p.Tyr195His; replaces tyrosine 195 with histidine.
Molecular consequence: missense variant. On other transcripts: intron variant (2).
Genome position (GRCh38, 1-based): chr18:79,410,858, T>C. VCF-style: chr18-79410858-T-C. GRCh37 (hg19) VCF-style: chr18-77170858-T-C.
Other names: c.583T>C, p.Tyr195His (NM_001278670.2, NM_006162.5, NM_172390.3); c.544T>C, p.Tyr182His (NM_001278672.2, NM_001278675.2, NM_172387.3 and 1 more transcripts); c.-191+14507T>C (NM_172388.3); c.-191+10379T>C (NM_001278673.2); short protein forms Y182H, Y195H.
Identifiers: ClinVar variation 2207767 (VCV002207767.6), dbSNP rs145272516, ClinGen allele CA9008858.

ClinVar aggregate classification (germline): Uncertain significance. Review status: criteria provided, multiple submitters, no conflicts (2 of 4 stars). 2 submissions from 2 submitters: Uncertain significance (2). Last evaluated 2024-12-23.

Allele frequency attached by ClinVar (database versions not stated): ExAC 0.00006; TOPMed 0.00007; gnomAD 0.00008; gnomAD exomes 0.00011; ESP Exome Variant Server 0.00031.
gnomAD v4.1: 170 of 1,610,174 alleles (0.011%); highest among the groups gnomAD compares: Non-Finnish European, 0.014%; no homozygotes.

Submissions (2):

Ambry Genetics
Classification: Uncertain significance. Last evaluated: 2024-12-23. Review status: criteria provided, single submitter. Criteria: Ambry Variant Classification Scheme 2023. Collection method: clinical testing. Allele origin: germline.

Labcorp Genetics (formerly Invitae), Labcorp
Classification: Uncertain significance. Last evaluated: 2024-03-27. Review status: criteria provided, single submitter. Criteria: Invitae Variant Classification Sherloc (09022015). Collection method: clinical testing. Allele origin: germline.
Comment: This sequence change replaces tyrosine, which is neutral and polar, with histidine, which is basic and polar, at codon 195 of the NFATC1 protein (p.Tyr195His). This variant is present in population databases (rs145272516, gnomAD 0.01%). This variant has not been reported in the literature in individuals affected with NFATC1-related conditions. ClinVar contains an entry for this variant (Variation ID: 2207767). An algorithm developed to predict the effect of missense changes on protein structure and function (PolyPhen-2) suggests that this variant is likely to be disruptive. In summary, the available evidence is currently insufficient to determine the role of this variant in disease. Therefore, it has been classified as a Variant of Uncertain Significance.